The following is an entry in ClinVar:

ClinVar aggregate classification (germline): Uncertain significance (1 of 4 stars; one submission).

Allele frequency attached by ClinVar (database versions not stated): gnomAD exomes below 0.00001; TOPMed below 0.00001.

Submission:

Labcorp Genetics (formerly Invitae), Labcorp
Classification: Uncertain significance. Last evaluated: 2025-01-28. Review status: criteria provided, single submitter. Criteria: Invitae Variant Classification Sherloc (09022015). Collection method: clinical testing. Allele origin: germline.
Comment: This sequence change replaces aspartic acid, which is acidic and polar, with tyrosine, which is neutral and polar, at codon 1200 of the GRIN2D protein (p.Asp1200Tyr). The frequency data for this variant in the population databases is considered unreliable, as metrics indicate poor data quality at this position in the gnomAD database. This variant has not been reported in the literature in individuals affected with GRIN2D-related conditions. ClinVar contains an entry for this variant (Variation ID: 1991090). Invitae Evidence Modeling of protein sequence and biophysical properties (such as structural, functional, and spatial information, amino acid conservation, physicochemical variation, residue mobility, and thermodynamic stability) indicates that this missense variant is not expected to disrupt GRIN2D protein function with a negative predictive value of 95%. In summary, the available evidence is currently insufficient to determine the role of this variant in disease. Therefore, it has been classified as a Variant of Uncertain Significance.

NM_000836.4(GRIN2D):c.3598G>T (p.Asp1200Tyr)

Gene: GRIN2D (glutamate ionotropic receptor NMDA type subunit 2D; plus strand). Cytogenetic location: 19q13.33.
Variant type: single nucleotide variant.
Coding change: c.3598G>T on transcript NM_000836.4 (MANE Select); coding-DNA position 3598, G replaced by T.
Protein change: p.Asp1200Tyr; replaces aspartic acid 1200 with tyrosine.
Molecular consequence: missense variant.
Genome position (GRCh38, 1-based): chr19:48,443,524, G>T. VCF-style: chr19-48443524-G-T. GRCh37 (hg19) VCF-style: chr19-48946781-G-T.
Other names: short protein forms D1200Y.
Identifiers: ClinVar variation 1991090 (VCV001991090.4), dbSNP rs1399362650, ClinGen allele CA406677046.